The following is an entry in ClinVar:

NM_005045.4(RELN):c.4226C>G (p.Ser1409Cys)

Gene: RELN (reelin; minus strand). Cytogenetic location: 7q22.1.
Variant type: single nucleotide variant.
Coding change: c.4226C>G on transcript NM_005045.4 (MANE Select); coding-DNA position 4226, C replaced by G.
Protein change: p.Ser1409Cys; replaces serine 1409 with cysteine.
Molecular consequence: missense variant.
Genome position (GRCh38, 1-based): chr7:103,575,625, G>C on the plus strand (C>G on the coding strand, the complement: RELN is on the minus strand). VCF-style: chr7-103575625-G-C. GRCh37 (hg19) VCF-style: chr7-103216072-G-C.
Other names: c.4226C>G, p.Ser1409Cys (NM_173054.3); short protein forms S1409C.
Identifiers: ClinVar variation 2946725 (VCV002946725.3), dbSNP rs2117208290, ClinGen allele CA368752317.

ClinVar aggregate classification (germline): Uncertain significance (1 of 4 stars; one submission).

Conditions:
Norman-Roberts syndrome (LIS2). Also called: Lissencephaly 2 (Norman-Roberts type). Identifiers: Orphanet 89844, MedGen C0796089, MONDO:0009760, OMIM 257320.
Familial temporal lobe epilepsy 7. Identifiers: Orphanet 101046, MedGen C4225327, MONDO:0014639, OMIM 616436.

Submission:

Labcorp Genetics (formerly Invitae), Labcorp
Classification: Uncertain significance for Familial temporal lobe epilepsy 7; Norman-Roberts syndrome. Last evaluated: 2023-10-13. Review status: criteria provided, single submitter. Criteria: Invitae Variant Classification Sherloc (09022015). Collection method: clinical testing. Allele origin: germline.
Comment: This sequence change replaces serine, which is neutral and polar, with cysteine, which is neutral and slightly polar, at codon 1409 of the RELN protein (p.Ser1409Cys). This variant is not present in population databases (gnomAD no frequency). This variant has not been reported in the literature in individuals affected with RELN-related conditions. Advanced modeling of protein sequence and biophysical properties (such as structural, functional, and spatial information, amino acid conservation, physicochemical variation, residue mobility, and thermodynamic stability) performed at Invitae indicates that this missense variant is not expected to disrupt RELN protein function. In summary, the available evidence is currently insufficient to determine the role of this variant in disease. Therefore, it has been classified as a Variant of Uncertain Significance.